The following is an entry in ClinVar:

ClinVar aggregate classification (germline): Benign/Likely benign. Review status: criteria provided, multiple submitters, no conflicts (2 of 4 stars). 5 submissions from 5 submitters: Benign (1); Likely benign (4). Last evaluated 2024-11-17.

Conditions:
Polycystic kidney disease, adult type (PKD1). Also called: Polycystic Kidney, Autosomal Dominant; POLYCYSTIC KIDNEY DISEASE, ADULT, TYPE I; Polycystic Kidney Disease 1, Autosomal Dominant; Polycystic kidney disease 1; Polycystic kidney disease 1, severe; POLYCYSTIC KIDNEY DISEASE 1 WITH OR WITHOUT POLYCYSTIC LIVER DISEASE. Identifiers: MedGen C3149841, MONDO:0008263, OMIM 173900.

Allele frequency attached by ClinVar (database versions not stated): gnomAD exomes 0.00042; ExAC 0.00049; 1000 Genomes Project 0.00080; gnomAD 0.00089 and 0.00094; 1000 Genomes Project 30x 0.00094; TOPMed 0.00116; ESP Exome Variant Server 0.00123.
gnomAD v4.1: 431 of 1,610,428 alleles (0.027%); highest among the groups gnomAD compares: African/African-American, 0.26%; no homozygotes.

Submissions (5):

Blueprint Genetics
Classification: Likely benign. Last evaluated: 2024-11-17. Review status: criteria provided, single submitter. Criteria: ACMG Guidelines, 2015. Collection method: clinical testing. Allele origin: germline.

CeGaT Center for Human Genetics Tuebingen
Classification: Likely benign. Last evaluated: 2023-12-01. Review status: criteria provided, single submitter. Criteria: CeGaT Center For Human Genetics Tuebingen Variant Classification Criteria Version 2. Collection method: clinical testing. Allele origin: germline. Affected: yes. Observed: 1 variant allele.
Comment: PKD1: BP4, BP7

Department of Pathology and Laboratory Medicine, Sinai Health System
Classification: Likely benign for Polycystic kidney disease, adult type. Last evaluated: 2023-10-19. Review status: criteria provided, single submitter. Criteria: ACMG Guidelines, 2015. Collection method: clinical testing. Allele origin: germline. Affected: yes.

Fulgent Genetics
Classification: Likely benign for Polycystic kidney disease, adult type. Last evaluated: 2021-10-06. Review status: criteria provided, single submitter. Criteria: ACMG Guidelines, 2015. Collection method: clinical testing. Allele origin: unknown.

Athena Diagnostics
Classification: Benign. Last evaluated: 2020-03-27. Review status: criteria provided, single submitter. Criteria: Athena Diagnostics Criteria. Collection method: clinical testing. Allele origin: unknown.

Literature cited by the submitters: PubMed 30858458 (cited by Department of Pathology and Laboratory Medicine, Sinai Health System).

NM_001009944.3(PKD1):c.10326G>A (p.Ala3442=)

Gene: PKD1 (polycystin 1, transient receptor potential channel interacting; minus strand). Cytogenetic location: 16p13.3.
Variant type: single nucleotide variant.
Coding change: c.10326G>A on transcript NM_001009944.3 (MANE Select); coding-DNA position 10326, G replaced by A.
Protein change: p.Ala3442=; no amino-acid change (alanine 3442 retained).
Molecular consequence: synonymous variant.
Genome position (GRCh38, 1-based): chr16:2,097,398, C>T on the plus strand (G>A on the coding strand, the complement: PKD1 is on the minus strand). VCF-style: chr16-2097398-C-T. GRCh37 (hg19) VCF-style: chr16-2147399-C-T.
Other names: c.10323G>A, p.Ala3441= (NM_000296.4); c.10326G>A (NM_001009944.2).
Identifiers: ClinVar variation 994663 (VCV000994663.26), dbSNP rs141138826, ClinGen allele CA7829657.